The following is an entry in ClinVar:

ClinVar aggregate classification (germline): not provided (0 of 4 stars; one submission).

Conditions:
Normal pregnancy. Identifiers: MedGen C0232989.

Submission:

Institute of Molecular and Cell Biology, University of Tartu
No classification provided. Condition: Normal pregnancy. Review status: no classification provided. Collection method: case-control. Allele origin: unknown. Affected: yes. Study: Kasak2014.
Comment: The study aimed to determine the contribution of copy number variants in the genetic etiology of normal and complicated pregnancies. The samples represented (i) maternal blood DNA drawn from healthy pregnant women during 1st or 2nd trimester and (ii) maternal and paternal blood DNA drawn at term pregnancy cases representing normal and complicated gestations (severe preeclampsia, PE; gestational diabetes, GD; small-for-gestational age newborn, SGA; large-for-gestational age newborn, LGA). We performed CNV calling based on genome-wide genotyping dataset (Illumina HumanOmniExpress-24-v1 BeadChip) by applying three algorithms, QuantiSNP, GADA (Genome Alteration Detection Algorithm) and CNstream in parallel. The acquired CNV calls were merged with HD-CNV (Hotspot Detector for Copy Number Variants) program and only the CNVs predicted by at least two programs, were considered in subsequent analysis.

Literature cited by the submitters: PubMed 25666259.

NM_001366141.2(TRPM3):c.183+151699_183+153945dup

Gene: TRPM3 (transient receptor potential cation channel subfamily M member 3; minus strand). Cytogenetic location: 9q21.12.
Variant type: Duplication.
Coding change: c.183+151699_183+153945dup on transcript NM_001366141.2; bases 151699 to 153945 of the intron after coding-DNA position 183, 2,247 bases duplicated.
Molecular consequence: intron variant.
Genome position (GRCh38, 1-based): chr9:71,292,708-71,294,954, 2,247 bases duplicated. GRCh37 (hg19): chr9:73,907,625-73,909,871.
Other names: c.183+151699_183+153945dup (NM_001366143.2, NM_001366142.2, NM_001366144.2).
Identifiers: ClinVar variation 157146 (VCV000157146.4), ClinGen allele CA10575654.